The following is an entry in ClinVar:

ClinVar aggregate classification (germline): Pathogenic/Likely pathogenic. Review status: criteria provided, multiple submitters, no conflicts (2 of 4 stars). 5 submissions from 5 submitters: Pathogenic (2); Likely pathogenic (1). 2 of the submissions do not count toward it. Last evaluated 2025-11-19.

Conditions:
SPTB-related disorder. Also called: SPTB-Related Disorders; SPTB-related condition.
Elliptocytosis 3 (EL3). Identifiers: MedGen C1866810, MONDO:0054780, OMIM 617948.
Hereditary spherocytosis type 2. Also called: SPHEROCYTOSIS, TYPE 2, AUTOSOMAL DOMINANT. Identifiers: Orphanet 822, MedGen C2674219, MONDO:0000913, OMIM 616649.

Allele frequency attached by ClinVar (database versions not stated): TOPMed below 0.00001.
gnomAD v4.1: 1 of 1,614,042 alleles (0.000062%); no homozygotes.

Submissions (5):

Labcorp Genetics (formerly Invitae), Labcorp
Classification: Pathogenic. Last evaluated: 2025-11-19. Review status: criteria provided, single submitter. Criteria: Invitae Variant Classification Sherloc (09022015). Collection method: clinical testing. Allele origin: germline.
Comment: This sequence change replaces serine, which is neutral and polar, with proline, which is neutral and non-polar, at codon 2019 of the SPTB protein (p.Ser2019Pro). This variant is not present in population databases (gnomAD no frequency). This missense change has been observed in individuals with hereditary elliptocytosis and/or neonatal nonimmune hemolytic anemia (PMID: 7883966, 30198572). It has also been observed to segregate with disease in related individuals. This variant is also known as spectrin Providence. ClinVar contains an entry for this variant (Variation ID: 12837). An algorithm developed to predict the effect of missense changes on protein structure and function (PolyPhen-2) suggests that this variant is likely to be disruptive. Experimental studies have shown that this missense change affects SPTB function (PMID: 7883966, 8667615). For these reasons, this variant has been classified as Pathogenic.

Revvity Omics, Revvity
Classification: Pathogenic. Last evaluated: 2024-05-15. Review status: criteria provided, single submitter. Criteria: ACMG Guidelines, 2015. Collection method: clinical testing. Allele origin: germline.

Broad Center for Mendelian Genomics, Broad Institute of MIT and Harvard
Classification: Likely pathogenic for Hereditary spherocytosis type 2. Last evaluated: 2018-12-03. Review status: criteria provided, single submitter. Criteria: ACMG Guidelines, 2015. Collection method: research. Allele origin: germline. Inheritance: Autosomal dominant inheritance. Affected: yes.
Comment: The heterozygous p.Ser2019Pro variant in SPTB was identified by our study in three unrelated individuals with spherocytosis. This variant was absent from large population studies. Computational prediction tools and conservation analyses do not provide strong support for or against an impact to the protein. The p.Ser2019Pro variant in SPTB has been reported in 8 Laotian individuals with spherocytosis and segregated with disease in the homozygous or heterozygous state in 7 affected relatives from a two-generation family. The genotype of one affected individual was unknown. All individuals known to be homozygous for the variant were stillborn or died shortly after birth while all individuals known to be heterozygous for the variant had mild elliptocytosis (PMID: 7883966). This variant is located in the self-association region of the protein, a common site of pathogenic variation for hereditary elliptocytosis (PMID: 8844207). In summary, although additional studies are required to fully establish its clinical significance, the p.Ser2019Pro variant is likely pathogenic. ACMG/AMP Criteria applied: PM1, PM2, PP1_Moderate (Richards 2015).

PreventionGenetics, part of Exact Sciences
Classification: Pathogenic for SPTB-related condition. Last evaluated: 2024-09-12. Review status: no assertion criteria provided. Collection method: clinical testing. Allele origin: germline. Not counted in ClinVar's aggregate classification.
Comment: The SPTB c.6055T>C variant is predicted to result in the amino acid substitution p.Ser2019Pro. This variant is also referred to as spectrin Providence and has been noted to be common in individuals with severe inherited hemolytic anemia in the Thai population (Ittiwut et al. 2019. PubMed ID: 30198572; Songdej et al. 2024. PubMed ID: 35819869). It has been reported in the homozygous and compound heterozygous states in individuals with severe inherited hemolytic anemia (Gallagher et al. 1995. PubMed ID: 7883966; Ittiwut et al. 2019. PubMed ID: 30198572; Songdej et al. 2024. PubMed ID: 35819869). Individuals heterozygous for this variant have been reported to have a milder elliptocytosis phenotype (Gallagher et al. 1995. PubMed ID: 7883966; Songdej et al 2024. PubMed ID: 35819869). In vitro experimental studies indicate this variant impacts protein function (Gallagher et al. 1995. PubMed ID: 7883966; Weed et al. 1996. PubMed ID: 8667615). This variant has not been reported in a large population database, indicating this variant is rare. This variant is interpreted as pathogenic.

OMIM
Classification: Pathogenic for ANEMIA, PERINATAL HEMOLYTIC, FATAL. Last evaluated: 2018-04-25. Review status: no assertion criteria provided. Collection method: literature only. Allele origin: germline. Not counted in ClinVar's aggregate classification.

Literature cited by the submitters: PubMed 7883966 (cited by Labcorp Genetics (formerly Invitae), Labcorp and Broad Center for Mendelian Genomics, Broad Institute of MIT and Harvard); PubMed 30198572 (cited by Labcorp Genetics (formerly Invitae), Labcorp); PubMed 8667615 (cited by Labcorp Genetics (formerly Invitae), Labcorp); PubMed 8844207 (cited by Broad Center for Mendelian Genomics, Broad Institute of MIT and Harvard); Gallagher, P., Garbarz, M., Tse, W., Picat, C., Lecomte, M. C., Dhermy, D., Forget, B. G. Exon skipping due to a splice site mutation causes hereditary elliptocytosis (HE) associated with the shortened beta chain of spectrin Rouen. (Abstract) Clin. Res. 38: 266A, 1990. (cited by OMIM).

NM_001355436.2(SPTB):c.6055T>C (p.Ser2019Pro)

Gene: SPTB (spectrin beta, erythrocytic; minus strand). Cytogenetic location: 14q23.3.
Variant type: single nucleotide variant.
Coding change: c.6055T>C on transcript NM_001355436.2 (MANE Select); coding-DNA position 6055, T replaced by C.
Protein change: p.Ser2019Pro; replaces serine 2019 with proline.
Molecular consequence: missense variant.
Genome position (GRCh38, 1-based): chr14:64,767,827, A>G on the plus strand (T>C on the coding strand, the complement: SPTB is on the minus strand). VCF-style: chr14-64767827-A-G. GRCh37 (hg19) VCF-style: chr14-65234545-A-G.
Other names: spectrin Providence; c.6055T>C, p.Ser2019Pro (NM_001024858.4, NM_001355437.2); c.6055T>C (NM_001024858.2); short protein forms S2019P.
Identifiers: ClinVar variation 12837 (VCV000012837.11), dbSNP rs121918648, ClinGen allele CA122740.
Genomic context (GRCh38, chr14:64,767,827, plus strand): 5'-GTCCAAAGTCCCCGCTGGCCAGGTAGGGCTCCTGGGCAATCAGCCACGCCTCAGCCACAG[A>G]GGCATCCCTCGAGAACTGGCACACCTCCAGCACTGCCAGGGGGAACAGGACACAGACCCC-3'
Protein context (NP_001342365.1, residues 2009-2029): LEVCQFSRDA[Ser2019Pro]VAEAWLIAQE